The following is an entry in ClinVar:

ClinVar aggregate classification (germline): Likely pathogenic (1 of 4 stars; one submission).

Conditions:
RYR1-related disorder. Also called: RYR1-related condition; RYR1-related disorders. Identifiers: MedGen CN239331.

Allele frequency attached by ClinVar (database versions not stated): gnomAD exomes below 0.00001.
gnomAD v4.1: 1 of 1,614,194 alleles (0.000062%); highest among the groups gnomAD compares: East Asian, 0.0022%; no homozygotes.

Submission:

Labcorp Genetics (formerly Invitae), Labcorp
Classification: Likely pathogenic for RYR1-related disorder. Last evaluated: 2023-08-09. Review status: criteria provided, single submitter. Criteria: Invitae Variant Classification Sherloc (09022015). Collection method: clinical testing. Allele origin: germline.
Comment: In summary, the currently available evidence indicates that the variant is pathogenic, but additional data are needed to prove that conclusively. Therefore, this variant has been classified as Likely Pathogenic. This sequence change affects an acceptor splice site in intron 62 of the RYR1 gene. It is expected to disrupt RNA splicing. Variants that disrupt the donor or acceptor splice site typically lead to a loss of protein function (PMID: 16199547), and loss-of-function variants in RYR1 are known to be pathogenic (PMID: 23919265, 25960145, 28818389, 30611313). This variant is not present in population databases (gnomAD no frequency). This variant has not been reported in the literature in individuals affected with RYR1-related conditions. Algorithms developed to predict the effect of sequence changes on RNA splicing suggest that this variant may disrupt the consensus splice site.

Literature cited by the submitters: PubMed 16199547; PubMed 23919265; PubMed 25960145; PubMed 28818389; PubMed 30611313.

NM_000540.3(RYR1):c.9234-1G>C

Gene: RYR1 (ryanodine receptor 1; plus strand). Cytogenetic location: 19q13.2.
Variant type: single nucleotide variant.
Coding change: c.9234-1G>C on transcript NM_000540.3 (MANE Select); the canonical splice acceptor site of the intron before coding-DNA position 9234, G replaced by C.
Molecular consequence: splice acceptor variant.
Genome position (GRCh38, 1-based): chr19:38,512,244, G>C. VCF-style: chr19-38512244-G-C. GRCh37 (hg19) VCF-style: chr19-39002884-G-C.
Other names: c.9234-1G>C (NM_001042723.2).
Identifiers: ClinVar variation 2810533 (VCV002810533.3), dbSNP rs1970762402, ClinGen allele CA405685984.
Genomic context (GRCh38, chr19:38,512,244, plus strand): 5'-CAACCCCTGGTCTCCTAGACTCTCCGATTCCAGAGCTGATGTTCCCCCGCTGCCCTTCTA[G>C]GACAGTGATGAAGTCAGGCCCTGAGATCGTGAAGGCTGGCCTCCGCTCCTTCTTCGAGAG-3'